The following is an entry in ClinVar:

ClinVar aggregate classification (germline): Conflicting classifications of pathogenicity. Review status: criteria provided, conflicting classifications (1 of 4 stars). 2 submissions from 2 submitters: Uncertain significance (1); Likely benign (1). Last evaluated 2026-04-02.

Conditions:
Autosomal recessive spinocerebellar ataxia 12. Also called: SPINOCEREBELLAR ATAXIA WITH MENTAL RETARDATION AND EPILEPSY. Identifiers: Orphanet 284282, MedGen C3280452, MONDO:0013687, OMIM 614322.
Developmental and epileptic encephalopathy, 1 (DEE1). Also called: X-linked infantile spasms; West's syndrome; Tonic spasms with clustering, arrest of psychomotor development and hypsarrhythmia on EEG; X-Linked Infantile Spasm Syndrome; OHTAHARA SYNDROME, X-LINKED; INFANTILE SPASM SYNDROME, X-LINKED 1. Identifiers: MedGen C3463992, MONDO:0010632, OMIM 308350. Disease mechanism: loss of function.

Allele frequency attached by ClinVar (database versions not stated): gnomAD exomes 0.00001 and below 0.00001; TOPMed 0.00001.
gnomAD v4.1: 12 of 1,614,190 alleles (0.00074%); highest among the groups gnomAD compares: South Asian, 0.012%; no homozygotes.

Submissions (2):

GeneDx
Classification: Uncertain significance. Last evaluated: 2026-04-02. Review status: criteria provided, single submitter. Criteria: GeneDx Variant Classification Process June 2021. Collection method: clinical testing. Allele origin: germline.
Comment: Not observed at significant frequency in large population cohorts (gnomAD); In silico analysis suggests that this variant does not alter splicing; Has not been previously published as pathogenic or benign to our knowledge

Labcorp Genetics (formerly Invitae), Labcorp
Classification: Likely benign for Developmental and epileptic encephalopathy, 1; Autosomal recessive spinocerebellar ataxia 12. Last evaluated: 2023-06-20. Review status: criteria provided, single submitter. Criteria: Invitae Variant Classification Sherloc (09022015). Collection method: clinical testing. Allele origin: germline.

NM_016373.4(WWOX):c.823C>T (p.Leu275=)

Gene: WWOX (WW domain containing oxidoreductase; plus strand). Cytogenetic location: 16q23.1.
Variant type: single nucleotide variant.
Coding change: c.823C>T on transcript NM_016373.4 (MANE Select); coding-DNA position 823, C replaced by T.
Protein change: p.Leu275=; no amino-acid change (leucine 275 retained).
Molecular consequence: synonymous variant.
Genome position (GRCh38, 1-based): chr16:78,432,519, C>T. VCF-style: chr16-78432519-C-T. GRCh37 (hg19) VCF-style: chr16-78466416-C-T.
Other names: c.484C>T, p.Leu162= (NM_001291997.2); c.823C>T (NM_016373.2).
Identifiers: ClinVar variation 473033 (VCV000473033.10), dbSNP rs1272996029, ClinGen allele CA496697932.
Genomic context (GRCh38, chr16:78,432,519, plus strand): 5'-TGCTTCATGTCATATTTCCTATTTTTAAGATTTACAGATATTAACGACTCCTTGGGAAAA[C>T]TGGACTTCAGTCGCCTCTCTCCAACAAAAAACGACTATTGGGCGATGCTGGCTTATAACA-3'
Protein context (NP_057457.1, residues 265-285): FTDINDSLGK[Leu275=]DFSRLSPTKN